The following is an entry in ClinVar:

ClinVar aggregate classification (germline): Pathogenic (1 of 4 stars; one submission).

Conditions:
Autosomal recessive nonsyndromic hearing loss 77. Identifiers: Orphanet 90636, MedGen C2746083, MONDO:0013119, OMIM 613079.

Submission:

Myriad Genetics, Inc.
Classification: Pathogenic for Autosomal recessive nonsyndromic hearing loss 77. Last evaluated: 2026-03-10. Review status: criteria provided, single submitter. Criteria: Myriad Autosomal Dominant, Autosomal Recessive and X-Linked Classification Criteria (2023). Collection method: clinical testing. Allele origin: unknown.
Comment: NM_144612.6(LOXHD1):c.4243_4244dupCG(W1416Gfs*27) is a frameshift variant classified as pathogenic in the context of nonsyndromic hearing loss, LOXHD1-related. W1416Gfs*27 has not been observed in cases with relevant disease. Relevant functional assessments of this variant are not available in the literature. W1416Gfs*27 has not been observed in referenced population frequency databases. In summary, NM_144612.6(LOXHD1):c.4243_4244dupCG(W1416Gfs*27) is a frameshift variant in a gene where loss of function is a known mechanism of disease and is predicted to disrupt protein function. Please note: this variant was assessed in the context of healthy population screening.

NM_001384474.1(LOXHD1):c.4243_4244dup (p.Trp1416fs)

Gene: LOXHD1 (lipoxygenase homology PLAT domains 1; minus strand). Cytogenetic location: 18q21.1.
Variant type: Duplication.
Coding change: c.4243_4244dup on transcript NM_001384474.1 (MANE Select); coding-DNA positions 4243 to 4244, 2 bases duplicated (CG; older notation c.4243_4244dupCG).
Protein change: p.Trp1416fs; shifts the reading frame from tryptophan 1416.
Molecular consequence: frameshift variant.
Genome position (GRCh38, 1-based): chr18:46,533,293-46,533,294, CG duplicated on the plus strand (CG on the coding strand, the reverse complement: LOXHD1 is on the minus strand). VCF-style (leftmost placement, unchanged base first): chr18-46533292-C-CCG. GRCh37 (hg19) VCF-style: chr18-44113255-C-CCG.
Other names: c.910_911dup, p.Trp305fs (NM_001145472.3); c.622_623dup, p.Trp209fs (NM_001308013.2); c.4243_4244dup, p.Trp1416fs (NM_144612.7); short protein forms W305fs, W1416fs, W209fs.
Identifiers: ClinVar variation 5004524 (VCV005004524.1).
Genomic context (GRCh38, chr18:46,533,292, plus strand): 5'-GATGTCATATGGAACCAGTTCTCGAATGGTCTTTTTGTCATCCTCAGAGGTGGCAAGCCA[C>CCG]CGATCGCATGGGAAAGTCAAGGTCTCTGCACCCTGGGGTGAGGCAGAAAAAGGAAAATTA-3'